The following is an entry in ClinVar:

ClinVar aggregate classification (germline): Uncertain significance (1 of 4 stars; one submission).

Conditions:
Congenital myasthenic syndrome 8. Also called: MYASTHENIC SYNDROME, CONGENITAL, DUE TO AGRIN DEFICIENCY; Myasthenic syndrome, congenital, 8, with pre- and postsynaptic defects. Identifiers: Orphanet 590, MedGen C3808739, MONDO:0014052, OMIM 615120.

Allele frequency attached by ClinVar (database versions not stated): gnomAD exomes below 0.00001; TOPMed below 0.00001; gnomAD 0.00001.
gnomAD v4.1: 2 of 1,582,702 alleles (0.00013%); highest among the groups gnomAD compares: Middle Eastern, 0.017%; no homozygotes.

Submission:

Labcorp Genetics (formerly Invitae), Labcorp
Classification: Uncertain significance for Congenital myasthenic syndrome 8. Last evaluated: 2023-03-08. Review status: criteria provided, single submitter. Criteria: Invitae Variant Classification Sherloc (09022015). Collection method: clinical testing. Allele origin: germline.
Comment: An algorithm developed to predict the effect of missense changes on protein structure and function (PolyPhen-2) suggests that this variant is likely to be tolerated. This sequence change replaces arginine, which is basic and polar, with serine, which is neutral and polar, at codon 1272 of the AGRN protein (p.Arg1272Ser). This variant is present in population databases (no rsID available, gnomAD 0.007%). This variant has not been reported in the literature in individuals affected with AGRN-related conditions. In summary, the available evidence is currently insufficient to determine the role of this variant in disease. Therefore, it has been classified as a Variant of Uncertain Significance.

NM_198576.4(AGRN):c.3816A>C (p.Arg1272Ser)

Gene: AGRN (agrin; plus strand). Cytogenetic location: 1p36.33.
Variant type: single nucleotide variant.
Coding change: c.3816A>C on transcript NM_198576.4 (MANE Select); coding-DNA position 3816, A replaced by C.
Protein change: p.Arg1272Ser; replaces arginine 1272 with serine.
Molecular consequence: missense variant.
Genome position (GRCh38, 1-based): chr1:1,048,076, A>C. VCF-style: chr1-1048076-A-C. GRCh37 (hg19) VCF-style: chr1-983456-A-C.
Other names: c.3816A>C, p.Arg1272Ser (NM_001305275.2); c.3501A>C, p.Arg1167Ser (NM_001364727.2); short protein forms R1167S, R1272S.
Identifiers: ClinVar variation 3007403 (VCV003007403.3), dbSNP rs1442317576, ClinGen allele CA337852452.
Genomic context (GRCh38, chr1:1,048,076, plus strand): 5'-GTTTCCTGCGTTTATCACGGGGGCCACGTCAGGAGCCATTGCTGCGGGAGCCACGGCCAG[A>C]GCCACCACTGCATCGCGCCTGCCGTCCTCTGCTGTGACCCCTCGGGCCCCGCACCCCAGT-3'
Protein context (NP_940978.2, residues 1262-1282): SGAIAAGATA[Arg1272Ser]ATTASRLPSS